The following is an entry in ClinVar:

ClinVar aggregate classification (germline): Likely benign. Review status: criteria provided, multiple submitters, no conflicts (2 of 4 stars). 2 submissions from 2 submitters: Likely benign (2). Last evaluated 2023-11-20.

Conditions:
RYR1-related disorder. Also called: RYR1-related disorders; RYR1-related condition. Identifiers: MedGen CN239331.
Malignant hyperthermia, susceptibility to, 1 (MHS1). Also called: Malignant hyperthermia suceptibility 1; RYR1-Related Malignant Hyperthermia Susceptibility; Anesthesia related hyperthermia; Malignant hyperpyrexia; Fulminating hyperpyrexia; Pharmacogenic myopathy. Identifiers: Orphanet 423, MedGen C2930980, MONDO:0007783, OMIM 145600.

Allele frequency attached by ClinVar (database versions not stated): gnomAD exomes below 0.00001.
gnomAD v4.1: 2 of 1,614,120 alleles (0.00012%); highest among the groups gnomAD compares: Non-Finnish European, 0.00017%; no homozygotes.

Submissions (2):

All of Us Research Program, National Institutes of Health
Classification: Likely benign for Malignant hyperthermia, susceptibility to, 1. Last evaluated: 2023-11-20. Review status: criteria provided, single submitter. Criteria: ACMG Guidelines, 2015. Collection method: clinical testing. Allele origin: germline. Inheritance: Autosomal dominant inheritance. Observed: 1 variant allele, 1 heterozygote.
Comment: This study involves interpretation of variants in research participants for the purpose of population health screening. Participant phenotype was not available at the time of variant classification. Additional details can be found in publication PMID: 35346344, PMCID: PMC8962531

Labcorp Genetics (formerly Invitae), Labcorp
Classification: Likely benign for RYR1-related disorder. Last evaluated: 2022-12-14. Review status: criteria provided, single submitter. Criteria: Invitae Variant Classification Sherloc (09022015). Collection method: clinical testing. Allele origin: germline.

NM_000540.3(RYR1):c.1792-10T>C

Gene: RYR1 (ryanodine receptor 1; plus strand). Cytogenetic location: 19q13.2.
Variant type: single nucleotide variant.
Coding change: c.1792-10T>C on transcript NM_000540.3 (MANE Select); 10 bases into the intron before coding-DNA position 1792, T replaced by C.
Molecular consequence: intron variant.
Genome position (GRCh38, 1-based): chr19:38,457,487, T>C. VCF-style: chr19-38457487-T-C. GRCh37 (hg19) VCF-style: chr19-38948127-T-C.
Other names: c.1792-10T>C (NM_001042723.2).
Identifiers: ClinVar variation 2981574 (VCV002981574.4), dbSNP rs2514037729, ClinGen allele CA2576770194.
Genomic context (GRCh38, chr19:38,457,487, plus strand): 5'-CTCCCAGGGTTCTTCTGTAGATCCTGCCCTGGTGCCTACACACCCTTTAACCTCTGACCT[T>C]GACCTCTAGGTCCTGGACGTGCTATGCTCCCTGTGTGTGTGTAATGGTGTGGCTGTACGC-3'